The following is an entry in ClinVar:

ClinVar aggregate classification (germline): Uncertain significance (1 of 4 stars; one submission).

Conditions:
Leigh syndrome (NULS). Also called: Leigh's necrotizing encephalopathy; Leigh's disease; Leigh Syndrome (mtDNA deletion); Leigh Disease; Subacute necrotizing encephalopathy; Necrotizing encephalopathy infantile subacute of Leigh. Identifiers: Orphanet 506, MedGen C2931891, MONDO:0009723, OMIM 256000.

Submission:

Wong Mito Lab, Molecular and Human Genetics, Baylor College of Medicine
Classification: Uncertain significance for Leigh syndrome. Last evaluated: 2019-10-17. Review status: criteria provided, single submitter. Criteria: Modified ACMG Guidelines (Unpublished). Collection method: clinical testing. Allele origin: germline.
Comment: The NC_012920.1:m.12799A>G (YP_003024036.1:p.Ile155Val) variant in MTND5 gene is interpretated to be a Uncertain Significance variant based on the modified ACMG guidelines (unpublished). This variant meets the following evidence codes: PP7

NC_012920.1(MT-ND5):m.12799A>G

Gene: MT-ND5 (mitochondrially encoded NADH dehydrogenase 5; plus strand).
Variant type: single nucleotide variant.
Genome position: chrM-12799-A-G.
Identifiers: ClinVar variation 693484 (VCV000693484.1), dbSNP rs1603223907, ClinGen allele CA414814908.
Genomic context (GRCh38, chrMT:12,799, plus strand): 5'-AACAACCTATTCCAACTGTTCATCGGCTGAGAGGGCGTAGGAATTATATCCTTCTTGCTC[A>G]TCAGTTGATGATACGCCCGAGCAGATGCCAACACAGCAGCCATTCAAGCAATCCTATACA-3'